The following is an entry in ClinVar:

NC_000001.10:g.(65845208_65849875)_(65855311_65858113)dup

Gene: DNAJC6 (DnaJ heat shock protein family (Hsp40) member C6; plus strand). Cytogenetic location: 1p31.3.
Variant type: Duplication.
Identifiers: ClinVar variation 2691666 (VCV002691666.2).

ClinVar aggregate classification (germline): Uncertain significance (1 of 4 stars; one submission).

Submission:

Women's Health and Genetics/Laboratory Corporation of America, LabCorp
Classification: Uncertain significance. Last evaluated: 2025-02-07. Review status: criteria provided, single submitter. Criteria: LabCorp Variant Classification Summary - May 2015. Collection method: clinical testing. Allele origin: germline.
Comment: Variant summary: The variant involves the duplication of exons 6-11 in the DNAJC6 gene. A presumed nomenclature of c.(666+1_667-1)_(1468+1_1469-1)dup has been designated for the purposes of this classification. It is assumed to be a tandem duplication in direct orientation (PMIDs: 25640679, 30054569). This Copy Number Variant (CNV) is expected to alter the reading frame and predicted to result in a truncation or absence of the encoded protein due to nonsense mediated decay (NMD). The variant allele was found at a frequency of 0.01 in 21694 control chromosomes (gnomAD SV database). The observed variant frequency exceeds the estimated maximal expected allele frequency for a pathogenic variant in DNAJC6 causing DNAJC6-Related Disorders phenotype. To our knowledge, no occurrence of c.(666+1_667-1)_(1468+1_1469-1)dup in individuals affected with DNAJC6-Related Disorders and no experimental evidence demonstrating its impact on protein function have been reported. ClinVar contains two entries for this variant (Variation ID: 2424028; 2691666). Based on the evidence outlined above, the variant was classified as uncertain significance.